The following is an entry in ClinVar:

NM_004168.4(SDHA):c.63+8C>T

Gene: SDHA (succinate dehydrogenase complex flavoprotein subunit A; plus strand). Cytogenetic location: 5p15.33.
Variant type: single nucleotide variant.
Coding change: c.63+8C>T on transcript NM_004168.4 (MANE Select); 8 bases into the intron after coding-DNA position 63, C replaced by T.
Molecular consequence: intron variant.
Genome position (GRCh38, 1-based): chr5:218,426, C>T. VCF-style: chr5-218426-C-T. GRCh37 (hg19) VCF-style: chr5-218541-C-T.
Other names: c.63+8C>T (NM_001330758.2, NM_001294332.2).
Identifiers: ClinVar variation 239679 (VCV000239679.40), dbSNP rs766358430, ClinGen allele CA3172693.
Genomic context (GRCh38, chr5:218,426, plus strand): 5'-TCCGGGGCCTGTCGCGGCTGCTGAGCGCTCGGCGCCTGGCGCTGGCCAAGGCGGTGAGTC[C>T]GTGCCGCGGACCGGGGCGGGGCAGGCGGGGGCCGAGGCGGCGGTAGGAGCGGGACGGTCC-3'

ClinVar aggregate classification (germline): Likely benign. Review status: criteria provided, multiple submitters, no conflicts (2 of 4 stars). 6 submissions from 6 submitters: Likely benign (6). Last evaluated 2026-01-27.

Conditions:
Pheochromocytoma/paraganglioma syndrome 5. Also called: Paragangliomas 5; SDHA-Related Hereditary Paraganglioma-Pheochromocytoma Syndrome. Identifiers: Orphanet 29072, MedGen C3279992, MONDO:0013602, OMIM 614165.
Mitochondrial complex II deficiency, nuclear type 1. Also called: SUCCINATE CoQ REDUCTASE DEFICIENCY. Identifiers: Orphanet 3208, MedGen C5700310, MONDO:0100294, OMIM 252011.

Allele frequency attached by ClinVar (database versions not stated): gnomAD 0.00002; ExAC 0.00003; gnomAD exomes 0.00003; TOPMed 0.00003.
gnomAD v4.1: 45 of 1,413,626 alleles (0.0032%); highest among the groups gnomAD compares: Non-Finnish European, 0.0039%; no homozygotes.

Submissions (6):

Labcorp Genetics (formerly Invitae), Labcorp
Classification: Likely benign for Pheochromocytoma/paraganglioma syndrome 5; Mitochondrial complex II deficiency, nuclear type 1. Last evaluated: 2026-01-27. Review status: criteria provided, single submitter. Criteria: Invitae Variant Classification Sherloc (09022015). Collection method: clinical testing. Allele origin: germline.

Myriad Genetics, Inc.
Classification: Likely benign for Pheochromocytoma/paraganglioma syndrome 5. Last evaluated: 2025-02-28. Review status: criteria provided, single submitter. Criteria: Myriad Autosomal Dominant, Autosomal Recessive and X-Linked Classification Criteria (2023). Collection method: clinical testing. Allele origin: unknown.
Comment: This variant is considered likely benign. This variant is intronic and is not expected to impact mRNA splicing.

Women's Health and Genetics/Laboratory Corporation of America, LabCorp
Classification: Likely benign. Last evaluated: 2024-12-31. Review status: criteria provided, single submitter. Criteria: LabCorp Variant Classification Summary - May 2015. Collection method: clinical testing. Allele origin: germline.
Comment: Variant summary: SDHA c.63+8C>T alters a non-conserved nucleotide located close to a canonical splice site and therefore could affect mRNA splicing, leading to a significantly altered protein sequence. Consensus agreement among computation tools predict no significant impact on normal splicing. However, these predictions have yet to be confirmed by functional studies. The variant allele was found at a frequency of 3.2e-05 in 1408822 control chromosomes in the gnomAD database (v4.1 dataset). To our knowledge, no occurrence of c.63+8C>T in individuals affected with Neurodegeneration With Ataxia And Late-Onset Optic Atrophy and no experimental evidence demonstrating its impact on protein function have been reported. ClinVar contains an entry for this variant (Variation ID: 239679). Based on the evidence outlined above, the variant was classified as likely benign.

Blueprint Genetics
Classification: Likely benign. Last evaluated: 2024-09-20. Review status: criteria provided, single submitter. Criteria: ACMG Guidelines, 2015. Collection method: clinical testing. Allele origin: germline.

Quest Diagnostics Nichols Institute San Juan Capistrano
Classification: Likely benign. Last evaluated: 2022-09-16. Review status: criteria provided, single submitter. Criteria: Quest Diagnostics criteria. Collection method: clinical testing. Allele origin: unknown.

CeGaT Center for Human Genetics Tuebingen
Classification: Likely benign. Last evaluated: 2022-09-01. Review status: criteria provided, single submitter. Criteria: CeGaT Center For Human Genetics Tuebingen Variant Classification Criteria Version 2. Collection method: clinical testing. Allele origin: germline. Affected: yes. Observed: 1 variant allele.
Comment: SDHA: BP4, BS2